The following is an entry in ClinVar:

ClinVar aggregate classification (germline): Likely pathogenic (1 of 4 stars; one submission).

Submission:

GeneDx
Classification: Likely pathogenic. Last evaluated: 2016-05-27. Review status: criteria provided, single submitter. Criteria: GeneDx Variant Classification (06012015). Collection method: clinical testing. Allele origin: germline. Affected: yes.
Comment: The V1968A variant in the NSD1 gene has been previously reported as a de novo variant in association with Sotos syndrome (Choufani et al., 2015). The variant was not observed in approximately 6,500 individuals of European and African American ancestry in the NHLBI Exome Sequencing Project, indicating it is not a common benign variant in these populations. V1968A is a conservative amino acid substitution, which is not likely to impact secondary protein structure as these residues share similar properties. However, this substitution occurs at a position that is conserved across species, and in silico analysis predicts this variant is probably damaging to the protein structure/function. Therefore, this variant is likely pathogenic; however, the possibility that it is benign cannot be excluded.

NM_022455.5(NSD1):c.5903T>C (p.Val1968Ala)

Gene: NSD1 (nuclear receptor binding SET domain protein 1; plus strand). Cytogenetic location: 5q35.3.
Variant type: single nucleotide variant.
Coding change: c.5903T>C on transcript NM_022455.5 (MANE Select); coding-DNA position 5903, T replaced by C.
Protein change: p.Val1968Ala; replaces valine 1968 with alanine.
Molecular consequence: missense variant.
Genome position (GRCh38, 1-based): chr5:177,282,475, T>C. VCF-style: chr5-177282475-T-C. GRCh37 (hg19) VCF-style: chr5-176709476-T-C.
Other names: c.5030T>C, p.Val1677Ala (NM_001365684.2, NM_001409308.1, NM_001409309.1 and 1 more transcripts); c.5903T>C, p.Val1968Ala (NM_001409301.1, NM_001409302.1, NM_001409303.1); c.5483T>C, p.Val1828Ala (NM_001409304.1); c.5150T>C, p.Val1717Ala (NM_001409305.1); c.5141T>C, p.Val1714Ala (NM_001409306.1, NM_001409307.1); short protein forms V1968A, V1699A, V1714A, V1717A, V1677A, V1828A.
Identifiers: ClinVar variation 421325 (VCV000421325.2), dbSNP rs1064795059, ClinGen allele CA16618184.